The following is an entry in ClinVar:

NM_001358530.2(MOCS1):c.1318C>T (p.Leu440=)

Gene: MOCS1 (molybdenum cofactor synthesis 1; minus strand). Cytogenetic location: 6p21.2.
Variant type: single nucleotide variant.
Coding change: c.1318C>T on transcript NM_001358530.2 (MANE Select); coding-DNA position 1318, C replaced by T.
Protein change: p.Leu440=; no amino-acid change (leucine 440 retained).
Molecular consequence: synonymous variant. On other transcripts: 3 prime UTR variant (4), non-coding transcript variant (1).
Genome position (GRCh38, 1-based): chr6:39,906,950, G>A on the plus strand (C>T on the coding strand, the complement: MOCS1 is on the minus strand). VCF-style: chr6-39906950-G-A. GRCh37 (hg19) VCF-style: chr6-39874726-G-A.
Other names: c.*175C>T (NM_001075098.4, NM_001358533.2, NM_001358534.2 and 1 more transcripts); c.1270C>T, p.Leu424= (NM_001358529.2); c.1057C>T, p.Leu353= (NM_001358531.2).
Identifiers: ClinVar variation 3348662 (VCV003348662.1).

ClinVar aggregate classification (germline): Likely benign (0 of 4 stars; one submission).

Conditions:
MOCS1-related disorder. Also called: MOCS1-related condition.

Submission:

PreventionGenetics, part of Exact Sciences
Classification: Likely benign for MOCS1-related condition. Last evaluated: 2024-04-10. Review status: no assertion criteria provided. Collection method: clinical testing. Allele origin: germline.
Comment: This variant is classified as likely benign based on ACMG/AMP sequence variant interpretation guidelines (Richards et al. 2015 PMID: 25741868, with internal and published modifications).